The following is an entry in ClinVar:

ClinVar aggregate classification (germline): Uncertain significance (1 of 4 stars; one submission).

gnomAD v4.1: 3 of 1,612,450 alleles (0.00019%); highest among the groups gnomAD compares: Non-Finnish European, 0.00025%; no homozygotes.

Submission:

GeneDx
Classification: Uncertain significance. Last evaluated: 2026-04-20. Review status: criteria provided, single submitter. Criteria: GeneDx Variant Classification Process June 2021. Collection method: clinical testing. Allele origin: germline.
Comment: Has not been previously published as pathogenic or benign to our knowledge; Not observed at significant frequency in large population cohorts (gnomAD); In silico analysis supports that this missense variant has a deleterious effect on protein structure/function

NM_020338.4(ZMIZ1):c.1732C>T (p.Arg578Cys)

Gene: ZMIZ1 (zinc finger MIZ-type containing 1; plus strand). Cytogenetic location: 10q22.3.
Variant type: single nucleotide variant.
Coding change: c.1732C>T on transcript NM_020338.4 (MANE Select); coding-DNA position 1732, C replaced by T.
Protein change: p.Arg578Cys; replaces arginine 578 with cysteine.
Molecular consequence: missense variant.
Genome position (GRCh38, 1-based): chr10:79,299,115, C>T. VCF-style: chr10-79299115-C-T. GRCh37 (hg19) VCF-style: chr10-81058872-C-T.
Other names: short protein forms R578C.
Identifiers: ClinVar variation 5037391 (VCV005037391.1).
Genomic context (GRCh38, chr10:79,299,115, plus strand): 5'-CACAATGACGAGCTGCGGCTCACATTCCCTGTGCGGGATGGCGTGGTGCTGGAGCCCTTC[C>T]GCCTGGAGCACAACCTGGCGGTCAGCAACCATGTGTTCCACCTGCGGCCCACGGTCCACC-3'
Protein context (NP_065071.1, residues 568-588): VRDGVVLEPF[Arg578Cys]LEHNLAVSNH